The following is an entry in ClinVar:

NM_012210.4(TRIM32):c.577C>T (p.Arg193Cys)

Genes: ASTN2 (astrotactin 2; minus strand), TRIM32 (tripartite motif containing 32; plus strand). Cytogenetic location: 9q33.1.
Variant type: single nucleotide variant.
Coding change: c.577C>T on transcript NM_012210.4 (MANE Select); coding-DNA position 577, C replaced by T.
Protein change: p.Arg193Cys; replaces arginine 193 with cysteine.
Molecular consequence: missense variant. On other transcripts: intron variant (3).
Genome position (GRCh38, 1-based): chr9:116,698,319, C>T. VCF-style: chr9-116698319-C-T. GRCh37 (hg19) VCF-style: chr9-119460598-C-T.
Other names: c.577C>T, p.Arg193Cys (NM_001099679.2, NM_001379048.1, NM_001379049.1 and 1 more transcripts); c.2653+27452G>A (NM_014010.5); c.2794+27452G>A (NM_001365069.1); c.2806+27452G>A (NM_001365068.1); short protein forms R193C.
Identifiers: ClinVar variation 1495209 (VCV001495209.7), dbSNP rs568433214, ClinGen allele CA5211006.
Genomic context (GRCh38, chr9:116,698,319, plus strand): 5'-GTCTCCAAGGACCTTCAGGCAAGGTATAAAGCAGTTCTCCAGGAGTATGGGCATGAGGAG[C>T]GCAGGGTCCAGGATGAGCTGGCTCGCTCTCGGAAGTTCTTCACAGGCTCTTTGGCTGAAG-3'
Protein context (NP_036342.2, residues 183-203): AVLQEYGHEE[Arg193Cys]RVQDELARSR

ClinVar aggregate classification (germline): Uncertain significance. Review status: criteria provided, multiple submitters, no conflicts (2 of 4 stars). 3 submissions from 3 submitters: Uncertain significance (3). Last evaluated 2025-04-19.

Conditions:
TRIM32-related disorder. Also called: TRIM32-related condition.
Sarcotubular myopathy (LGMDR8). Also called: Hutterite type of muscular dystrophy; MUSCULAR DYSTROPHY, LIMB-GIRDLE, AUTOSOMAL RECESSIVE 8; Limb-girdle muscular dystrophy, type 2H; Autosomal recessive limb-girdle muscular dystrophy type 2H. Identifiers: Orphanet 1878, MedGen C0270968, MONDO:0009683, OMIM 254110.
Bardet-Biedl syndrome 11 (BBS11). Identifiers: Orphanet 110, MedGen C1859569, MONDO:0014439, OMIM 615988.
Bardet-Biedl syndrome (BBS). Identifiers: Orphanet 110, MedGen C0752166, MONDO:0015229.

Allele frequency attached by ClinVar (database versions not stated): gnomAD exomes below 0.00001 and 0.00002; gnomAD 0.00001 and 0.00005; ExAC 0.00002; TOPMed 0.00002; 1000 Genomes Project 30x 0.00062; 1000 Genomes Project 0.00080.
gnomAD v4.1: 11 of 1,614,118 alleles (0.00068%); highest among the groups gnomAD compares: East Asian, 0.0067%; no homozygotes.

Submissions (3):

PreventionGenetics, part of Exact Sciences
Classification: Uncertain significance for TRIM32-related condition. Last evaluated: 2025-04-19. Review status: criteria provided, single submitter. Criteria: ACMG Guidelines, 2015. Collection method: clinical testing. Allele origin: germline.
Comment: The TRIM32 c.577C>T variant is predicted to result in the amino acid substitution p.Arg193Cys. To our knowledge, this variant has not been reported in the literature. This variant is reported in 0.015% of alleles in individuals of East Asian descent in gnomAD. At this time, the clinical significance of this variant is uncertain due to the absence of conclusive functional and genetic evidence.

Labcorp Genetics (formerly Invitae), Labcorp
Classification: Uncertain significance for Bardet-Biedl syndrome. Last evaluated: 2022-04-13. Review status: criteria provided, single submitter. Criteria: Invitae Variant Classification Sherloc (09022015). Collection method: clinical testing. Allele origin: germline.
Comment: This sequence change replaces arginine, which is basic and polar, with cysteine, which is neutral and slightly polar, at codon 193 of the TRIM32 protein (p.Arg193Cys). This variant is present in population databases (rs568433214, gnomAD 0.005%). This variant has not been reported in the literature in individuals affected with TRIM32-related conditions. Algorithms developed to predict the effect of missense changes on protein structure and function (SIFT, PolyPhen-2, Align-GVGD) all suggest that this variant is likely to be tolerated. In summary, the available evidence is currently insufficient to determine the role of this variant in disease. Therefore, it has been classified as a Variant of Uncertain Significance.

Fulgent Genetics
Classification: Uncertain significance for Sarcotubular myopathy; Bardet-Biedl syndrome 11. Last evaluated: 2022-03-29. Review status: criteria provided, single submitter. Criteria: ACMG Guidelines, 2015. Collection method: clinical testing. Allele origin: unknown.